The following is an entry in ClinVar:

NM_138387.4(G6PC3):c.823C>T (p.Arg275Trp)

Gene: G6PC3 (glucose-6-phosphatase catalytic subunit 3; plus strand). Cytogenetic location: 17q21.31.
Variant type: single nucleotide variant.
Coding change: c.823C>T on transcript NM_138387.4 (MANE Select); coding-DNA position 823, C replaced by T.
Protein change: p.Arg275Trp; replaces arginine 275 with tryptophan.
Molecular consequence: missense variant. On other transcripts: 3 prime UTR variant (1).
Genome position (GRCh38, 1-based): chr17:44,075,825, C>T. VCF-style: chr17-44075825-C-T. GRCh37 (hg19) VCF-style: chr17-42153193-C-T.
Other names: c.*116C>T (NM_001319945.2); c.478C>T, p.Arg160Trp (NM_001384165.1, NM_001384166.1, NM_001384167.1 and 1 more transcripts); short protein forms R275W, R160W.
Identifiers: ClinVar variation 953974 (VCV000953974.6), dbSNP rs200393998, ClinGen allele CA8596157.

ClinVar aggregate classification (germline): Uncertain significance. Review status: criteria provided, multiple submitters, no conflicts (2 of 4 stars). 2 submissions from 2 submitters: Uncertain significance (2). Last evaluated 2024-12-08.

Conditions:
Inborn genetic diseases. Identifiers: MedGen C0950123, MeSH D030342.
Autosomal recessive severe congenital neutropenia due to G6PC3 deficiency. Also called: G6PC3 Deficiency; NEUTROPENIA, SEVERE CONGENITAL, 4, AUTOSOMAL RECESSIVE. Identifiers: Orphanet 331176, MedGen C2751630, MONDO:0012930, OMIM 612541.

Allele frequency attached by ClinVar (database versions not stated): TOPMed below 0.00001; ExAC 0.00001; 1000 Genomes Project 30x 0.00016; gnomAD exomes 0.00002; 1000 Genomes Project 0.00020; gnomAD 0.00001.
gnomAD v4.1: 12 of 1,611,714 alleles (0.00074%); highest among the groups gnomAD compares: Admixed American, 0.0083%; no homozygotes.

Submissions (2):

Ambry Genetics
Classification: Uncertain significance for Inborn genetic diseases. Last evaluated: 2024-12-08. Review status: criteria provided, single submitter. Criteria: Ambry Variant Classification Scheme 2023. Collection method: clinical testing. Allele origin: germline.
Comment: The p.R275W variant (also known as c.823C>T), located in coding exon 6 of the G6PC3 gene, results from a C to T substitution at nucleotide position 823. The arginine at codon 275 is replaced by tryptophan, an amino acid with dissimilar properties. This amino acid position is conserved. In addition, the in silico prediction for this alteration is inconclusive. Based on the available evidence, the clinical significance of this variant remains unclear.

Labcorp Genetics (formerly Invitae), Labcorp
Classification: Uncertain significance for Autosomal recessive severe congenital neutropenia due to G6PC3 deficiency. Last evaluated: 2022-08-07. Review status: criteria provided, single submitter. Criteria: Invitae Variant Classification Sherloc (09022015). Collection method: clinical testing. Allele origin: germline.
Comment: This sequence change replaces arginine, which is basic and polar, with tryptophan, which is neutral and slightly polar, at codon 275 of the G6PC3 protein (p.Arg275Trp). This variant is present in population databases (rs200393998, gnomAD 0.01%). This variant has not been reported in the literature in individuals affected with G6PC3-related conditions. ClinVar contains an entry for this variant (Variation ID: 953974). Algorithms developed to predict the effect of missense changes on protein structure and function are either unavailable or do not agree on the potential impact of this missense change (SIFT: "Deleterious"; PolyPhen-2: "Possibly Damaging"; Align-GVGD: "Class C0"). In summary, the available evidence is currently insufficient to determine the role of this variant in disease. Therefore, it has been classified as a Variant of Uncertain Significance.